The following is an entry in ClinVar:

NM_001372080.1(ZSCAN29):c.1979T>G (p.Phe660Cys)

Gene: ZSCAN29 (zinc finger and SCAN domain containing 29; minus strand). Cytogenetic location: 15q15.3.
Variant type: single nucleotide variant.
Coding change: c.1979T>G on transcript NM_001372080.1 (MANE Select); coding-DNA position 1979, T replaced by G.
Protein change: p.Phe660Cys; replaces phenylalanine 660 with cysteine.
Molecular consequence: missense variant.
Genome position (GRCh38, 1-based): chr15:43,361,653, A>C on the plus strand (T>G on the coding strand, the complement: ZSCAN29 is on the minus strand). VCF-style: chr15-43361653-A-C. GRCh37 (hg19) VCF-style: chr15-43653851-A-C.
Other names: c.1979T>G, p.Phe660Cys (NM_152455.4); short protein forms F660C.
Identifiers: ClinVar variation 3042865 (VCV003042865.2), dbSNP rs142885180, ClinGen allele CA7523163.
Genomic context (GRCh38, chr15:43,361,653, plus strand): 5'-CATTTATATGGATTTTCCACCTGGTGGGATACCTGATGCATGAGAAGGGAGTTTGGACCA[A>C]AGCTTTTGCTGTATTTGAGATATTTATAGGGTCTCTCTCCCAAGCAAGGTCTCTGTTGAC-3'
Protein context (NP_001359009.1, residues 650-670): PYKYLKYSKS[Phe660Cys]GPNSLLMHQV

ClinVar aggregate classification (germline): Likely benign (0 of 4 stars; one submission).

Conditions:
ZSCAN29-related disorder. Also called: ZSCAN29-related condition.

Allele frequency attached by ClinVar (database versions not stated): ExAC 0.00054; ESP Exome Variant Server 0.00131; gnomAD 0.00180; TOPMed 0.00198; 1000 Genomes Project 0.00339; 1000 Genomes Project 30x 0.00344.
gnomAD v4.1: 529 of 1,614,142 alleles (0.033%); highest among the groups gnomAD compares: African/African-American, 0.64%; 3 homozygotes.

Submission:

PreventionGenetics, part of Exact Sciences
Classification: Likely benign for ZSCAN29-related condition. Last evaluated: 2019-07-01. Review status: no assertion criteria provided. Collection method: clinical testing. Allele origin: germline.
Comment: This variant is classified as likely benign based on ACMG/AMP sequence variant interpretation guidelines (Richards et al. 2015 PMID: 25741868, with internal and published modifications).